The following is an entry in ClinVar:

NM_001079866.2(BCS1L):c.671G>A (p.Arg224His)

Gene: BCS1L (BCS1 ubiquinol-cytochrome c reductase complex chaperone; plus strand). Cytogenetic location: 2q35.
Variant type: single nucleotide variant.
Coding change: c.671G>A on transcript NM_001079866.2 (MANE Select); coding-DNA position 671, G replaced by A.
Protein change: p.Arg224His; replaces arginine 224 with histidine.
Molecular consequence: missense variant. On other transcripts: non-coding transcript variant (1).
Genome position (GRCh38, 1-based): chr2:218,662,212, G>A. VCF-style: chr2-218662212-G-A. GRCh37 (hg19) VCF-style: chr2-219526935-G-A.
Other names: c.671G>A, p.Arg224His (NM_001371448.1, NM_001371449.1, NM_001371450.1 and 10 more transcripts); c.311G>A, p.Arg104His (NM_001371451.1, NM_001318836.2); c.170G>A, p.Arg57His (NM_001371452.1, NM_001371453.1, NM_001371454.1 and 3 more transcripts); short protein forms R57H, R104H, R224H.
Identifiers: ClinVar variation 1423511 (VCV001423511.4), dbSNP rs753443327, ClinGen allele CA2109727.

ClinVar aggregate classification (germline): Conflicting classifications of pathogenicity. Review status: criteria provided, conflicting classifications (1 of 4 stars). 2 submissions from 2 submitters: Likely pathogenic (1); Uncertain significance (1). Last evaluated 2022-05-24.

Conditions:
Mitochondrial complex III deficiency nuclear type 1. Identifiers: Orphanet 254902, MedGen C3541471, MONDO:0007415, OMIM 124000.

Allele frequency attached by ClinVar (database versions not stated): gnomAD exomes below 0.00001 and 0.00001; TOPMed below 0.00001; gnomAD 0.00001; ExAC 0.00002.
gnomAD v4.1: 4 of 1,613,882 alleles (0.00025%); highest among the groups gnomAD compares: Admixed American, 0.0033%; no homozygotes.

Submissions (2):

Labcorp Genetics (formerly Invitae), Labcorp
Classification: Uncertain significance. Last evaluated: 2022-05-24. Review status: criteria provided, single submitter. Criteria: Invitae Variant Classification Sherloc (09022015). Collection method: clinical testing. Allele origin: germline.
Comment: This sequence change replaces arginine, which is basic and polar, with histidine, which is basic and polar, at codon 224 of the BCS1L protein (p.Arg224His). This variant is present in population databases (rs753443327, gnomAD 0.006%). This variant has not been reported in the literature in individuals affected with BCS1L-related conditions. Advanced modeling of protein sequence and biophysical properties (such as structural, functional, and spatial information, amino acid conservation, physicochemical variation, residue mobility, and thermodynamic stability) performed at Invitae indicates that this missense variant is expected to disrupt BCS1L protein function. In summary, the available evidence is currently insufficient to determine the role of this variant in disease. Therefore, it has been classified as a Variant of Uncertain Significance.

Clinical Genetics Service, Universitary Hospital 12 de Octubre
Classification: Likely pathogenic for Mitochondrial complex III deficiency nuclear type 1. Review status: criteria provided, single submitter. Criteria: ACMG Guidelines, 2015. Collection method: clinical testing. Allele origin: germline. Affected: yes.